The following is an entry in ClinVar:

ClinVar aggregate classification (germline): Conflicting classifications of pathogenicity. Review status: criteria provided, conflicting classifications (1 of 4 stars). 4 submissions from 4 submitters: Likely pathogenic (1); Uncertain significance (3). Last evaluated 2024-06-06.

Conditions:
Polycystic kidney disease, adult type (PKD1). Also called: POLYCYSTIC KIDNEY DISEASE 1 WITH OR WITHOUT POLYCYSTIC LIVER DISEASE; Polycystic Kidney Disease 1, Autosomal Dominant; Polycystic kidney disease 1; Polycystic kidney disease 1, severe; Polycystic Kidney, Autosomal Dominant; POLYCYSTIC KIDNEY DISEASE, ADULT, TYPE I. Identifiers: MedGen C3149841, MONDO:0008263, OMIM 173900.

Submissions (4):

Fulgent Genetics
Classification: Likely pathogenic for Polycystic kidney disease, adult type. Last evaluated: 2024-06-06. Review status: criteria provided, single submitter. Criteria: ACMG Guidelines, 2015. Collection method: clinical testing. Allele origin: germline.

Mayo Clinic Laboratories, Mayo Clinic
Classification: Uncertain significance. Last evaluated: 2023-12-07. Review status: criteria provided, single submitter. Criteria: ACMG Guidelines, 2015. Collection method: clinical testing. Allele origin: germline. Observed: 2 variant alleles.
Comment: PP1, PM2

GeneDx
Classification: Uncertain significance. Last evaluated: 2023-02-28. Review status: criteria provided, single submitter. Criteria: GeneDx Variant Classification Process June 2021. Collection method: clinical testing. Allele origin: germline. Affected: yes.
Comment: Not observed at significant frequency in large population cohorts (gnomAD); In silico analysis supports that this missense variant has a deleterious effect on protein structure/function; This variant is associated with the following publications: (PMID: 31349084)

Juno Genomics, Hangzhou Juno Genomics, Inc
Classification: Uncertain significance for Polycystic kidney disease, adult type. Review status: criteria provided, single submitter. Criteria: ACMG Guidelines, 2015. Collection method: clinical testing. Allele origin: germline. Affected: yes.
Comment: Absent from controls (or at extremely low frequency if recessive) in Genome Aggregation Database, Exome Sequencing Project, 1000 Genomes Project, or Exome Aggregation Consortium.;The prevalence of the variant in affected individuals is significantly increased compared to the prevalence in controls.;Patient's phenotype or family history is highly specific for a disease with a single genetic etiology.

Literature cited by the submitters: PubMed 31349084 (cited by Mayo Clinic Laboratories, Mayo Clinic).

NM_001009944.3(PKD1):c.3860T>C (p.Leu1287Pro)

Gene: PKD1 (polycystin 1, transient receptor potential channel interacting; minus strand). Cytogenetic location: 16p13.3.
Variant type: single nucleotide variant.
Coding change: c.3860T>C on transcript NM_001009944.3 (MANE Select); coding-DNA position 3860, T replaced by C.
Protein change: p.Leu1287Pro; replaces leucine 1287 with proline.
Molecular consequence: missense variant.
Genome position (GRCh38, 1-based): chr16:2,111,307, A>G on the plus strand (T>C on the coding strand, the complement: PKD1 is on the minus strand). VCF-style: chr16-2111307-A-G. GRCh37 (hg19) VCF-style: chr16-2161308-A-G.
Other names: p.Leu1287Pro; c.3860T>C, p.Leu1287Pro (NM_000296.4); short protein forms L1287P.
Identifiers: ClinVar variation 2578212 (VCV002578212.5), dbSNP rs2544827223, ClinGen allele CA394382052.
Genomic context (GRCh38, chr16:2,111,307, plus strand): 5'-GTGGGGATGCAGGCGGCGGGTTCAACGCGCAGCACCTCCAGGACGAAGACCAGCACGTGC[A>G]GGCTCCGGGCCAGGTGGCCGGCGGGGCTGGCCGCACCCACGGTCACTGTGCAGTTCTGTG-3'
Protein context (NP_001009944.3, residues 1277-1297): ASPAGHLARS[Leu1287Pro]HVLVFVLEVL